The following is an entry in ClinVar:

NM_001114753.3(ENG):c.1088G>A (p.Cys363Tyr)

Gene: ENG (endoglin; minus strand). Cytogenetic location: 9q34.11.
Variant type: single nucleotide variant.
Coding change: c.1088G>A on transcript NM_001114753.3 (MANE Select); coding-DNA position 1088, G replaced by A.
Protein change: p.Cys363Tyr; replaces cysteine 363 with tyrosine.
Molecular consequence: missense variant.
Genome position (GRCh38, 1-based): chr9:127,824,350, C>T on the plus strand (G>A on the coding strand, the complement: ENG is on the minus strand). VCF-style: chr9-127824350-C-T. GRCh37 (hg19) VCF-style: chr9-130586629-C-T.
Other names: c.1088G>A, p.Cys363Tyr (NM_000118.4, NM_001406715.1); c.542G>A, p.Cys181Tyr (NM_001278138.2); c.1088G>A (NM_000118.2); short protein forms C181Y, C363Y.
Identifiers: ClinVar variation 1788269 (VCV001788269.6), dbSNP rs1588580782, ClinGen allele CA374980744.

ClinVar aggregate classification (germline): Pathogenic/Likely pathogenic. Review status: criteria provided, multiple submitters, no conflicts (2 of 4 stars). 3 submissions from 3 submitters: Pathogenic (1); Likely pathogenic (1). 1 of the submissions does not count toward it. Last evaluated 2025-01-23.

Conditions:
ENG-related disorder. Also called: ENG-related condition; ENG-related disorders.
Cardiovascular phenotype. Identifiers: MedGen CN230736.

Submissions (3):

GeneDx
Classification: Likely pathogenic. Last evaluated: 2025-01-23. Review status: criteria provided, single submitter. Criteria: GeneDx Variant Classification Process June 2021. Collection method: clinical testing. Allele origin: germline. Affected: yes.
Comment: Published functional studies suggest a damaging effect: abnormal cellular localization and premature protein forms (PMID: 11440987, 22022569); In silico analysis supports that this missense variant has a deleterious effect on protein structure/function; Not observed at significant frequency in large population cohorts (gnomAD); This variant is associated with the following publications: (PMID: 11440987, 22022569, 35628811)

Ambry Genetics
Classification: Pathogenic for Cardiovascular phenotype. Last evaluated: 2023-02-24. Review status: criteria provided, single submitter. Criteria: Ambry Variant Classification Scheme 2023. Collection method: clinical testing. Allele origin: germline.
Comment: The p.C363Y pathogenic mutation (also known as c.1088G>A), located in coding exon 8 of the ENG gene, results from a G to A substitution at nucleotide position 1088. The cysteine at codon 363 is replaced by tyrosine, an amino acid with highly dissimilar properties. This variant was reported in individuals with a clinical diagnosis of hereditary hemorrhagic telangiectasia (HHT) (Paquet ME, et al. Hum. Mol. Genet. 2001 Jun; 10(13):1347-57; Gaetani E et al. J Clin Med, 2022 May;11; Ambry internal data). In addition, one study demonstrated that the resulting protein is retained in the endoplasmic reticulum (Ali BR, et al. PLoS ONE. 2011 Oct; 6(10):e26206). This variant is considered to be rare based on population cohorts in the Genome Aggregation Database (gnomAD). Another alteration at the same codon, p.C363S (c.1087T>A), has been detected in subjects with HHT (Bossler AD et al. Hum Mutat, 2006 Jul;27:667-75). This amino acid position is highly conserved in available vertebrate species. In addition, this alteration is predicted to be deleterious by in silico analysis. Based on the supporting evidence, this alteration is interpreted as a disease-causing mutation.

PreventionGenetics, part of Exact Sciences
Classification: Pathogenic for ENG-related condition. Last evaluated: 2024-07-12. Review status: no assertion criteria provided. Collection method: clinical testing. Allele origin: germline. Not counted in ClinVar's aggregate classification.
Comment: The ENG c.1088G>A variant is predicted to result in the amino acid substitution p.Cys363Tyr. This variant has been reported in a patient with hereditary hemorrhagic telangiectasia (HHT) (Paquet et al. 2001. PubMed ID: 11440987). This variant disrupts a cysteine residue within ENG, and functional studies of this variant showed that it led to protein misfolding and retention within the endoplasmic reticulum (Ali et al. 2011. PubMed ID: 22022569). This variant has not been reported in gnomAD, indicating this variant is rare. In addition, other variants impacting the same amino acid (p.Cys363Ser and p.Cys363Trp) have also been reported in patients with HHT (Bossler et al. 2006. PubMed ID: 16752392; Supplemental Table, Nishida. 2012. PubMed ID: 22991266; Kitayama et al. 2021. PubMed ID: 34872578). Based on this evidence, we interpret the c.1088G>A (p.Cys363Tyr) variant as pathogenic.

Literature cited by the submitters: PubMed 11440987 (cited by Ambry Genetics); PubMed 22022569 (cited by Ambry Genetics); PubMed 35628811 (cited by Ambry Genetics).